The following is an entry in ClinVar:

NM_001127217.3(SMAD9):c.1156A>G (p.Asn386Asp)

Gene: SMAD9 (SMAD family member 9; minus strand). Cytogenetic location: 13q13.3.
Variant type: single nucleotide variant.
Coding change: c.1156A>G on transcript NM_001127217.3 (MANE Select); coding-DNA position 1156, A replaced by G.
Protein change: p.Asn386Asp; replaces asparagine 386 with aspartic acid.
Molecular consequence: missense variant.
Genome position (GRCh38, 1-based): chr13:36,853,523, T>C on the plus strand (A>G on the coding strand, the complement: SMAD9 is on the minus strand). VCF-style: chr13-36853523-T-C. GRCh37 (hg19) VCF-style: chr13-37427660-T-C.
Other names: c.1045A>G, p.Asn349Asp (NM_001378621.1, NM_005905.6); short protein forms N349D, N386D.
Identifiers: ClinVar variation 548691 (VCV000548691.10), dbSNP rs142213379, ClinGen allele CA6950368.

ClinVar aggregate classification (germline): Conflicting classifications of pathogenicity. Review status: criteria provided, conflicting classifications (1 of 4 stars). 5 submissions from 5 submitters: Uncertain significance (3); Likely benign (2). Last evaluated 2024-03-13.

Conditions:
Pulmonary arterial hypertension associated with congenital heart disease. Identifiers: Orphanet 275803, MedGen C3697119, MONDO:0017152.
Pulmonary hypertension, primary, 2. Identifiers: Orphanet 422, MedGen C3888002, MONDO:0014134, OMIM 615342.

Allele frequency attached by ClinVar (database versions not stated): ExAC 0.00003; gnomAD exomes 0.00006 and 0.00013; ESP Exome Variant Server 0.00008; gnomAD 0.00009; TOPMed 0.00010.
gnomAD v4.1: 209 of 1,614,036 alleles (0.013%); highest among the groups gnomAD compares: Non-Finnish European, 0.016%; no homozygotes.

Submissions (5):

Fulgent Genetics
Classification: Likely benign for Pulmonary hypertension, primary, 2. Last evaluated: 2024-03-13. Review status: criteria provided, single submitter. Criteria: ACMG Guidelines, 2015. Collection method: clinical testing. Allele origin: germline.

Blueprint Genetics
Classification: Likely benign. Last evaluated: 2023-11-04. Review status: criteria provided, single submitter. Criteria: ACMG Guidelines, 2015. Collection method: clinical testing. Allele origin: germline.

Department of Pathology and Laboratory Medicine, Sinai Health System
Classification: Uncertain significance for Pulmonary hypertension, primary, 2. Last evaluated: 2022-10-17. Review status: criteria provided, single submitter. Criteria: ACMG Guidelines, 2015. Collection method: research. Allele origin: germline.

Labcorp Genetics (formerly Invitae), Labcorp
Classification: Uncertain significance for Pulmonary hypertension, primary, 2. Last evaluated: 2021-08-24. Review status: criteria provided, single submitter. Criteria: Invitae Variant Classification Sherloc (09022015). Collection method: clinical testing. Allele origin: germline.
Comment: This sequence change replaces asparagine with aspartic acid at codon 386 of the SMAD9 protein (p.Asn386Asp). The asparagine residue is highly conserved and there is a small physicochemical difference between asparagine and aspartic acid. This variant is present in population databases (rs142213379, ExAC 0.01%). This missense change has been observed in individual(s) with pulmonary arterial hypertension and atrial septal defect (PMID: 30029678). This variant is also known as A1045G (p.N349D). ClinVar contains an entry for this variant (Variation ID: 548691). Advanced modeling of protein sequence and biophysical properties (such as structural, functional, and spatial information, amino acid conservation, physicochemical variation, residue mobility, and thermodynamic stability) performed at Invitae indicates that this missense variant is expected to disrupt SMAD9 protein function. In summary, the available evidence is currently insufficient to determine the role of this variant in disease. Therefore, it has been classified as a Variant of Uncertain Significance.

Wendy Chung Laboratory, Boston Children's Hospital
Classification: Uncertain significance for Pulmonary arterial hypertension associated with congenital heart disease. Last evaluated: 2018-06-27. Review status: criteria provided, single submitter. Criteria: ACMG Guidelines, 2015. Collection method: case-control. Allele origin: unknown. Affected: yes. Observed: 1 variant allele.

Literature cited by the submitters: PubMed 30029678 (cited by Labcorp Genetics (formerly Invitae), Labcorp and Wendy Chung Laboratory, Boston Children's Hospital).